The following is an entry in ClinVar:

ClinVar aggregate classification (germline): Uncertain significance (1 of 4 stars; one submission).

Submission:

GeneDx
Classification: Uncertain significance. Last evaluated: 2019-12-19. Review status: criteria provided, single submitter. Criteria: GeneDx Variant Classification Process June 2021. Collection method: clinical testing. Allele origin: germline. Affected: yes.
Comment: Located in the I-band of titin; the majority of pathogenic TTN variants associated with DCM are truncating variants in the A-band of titin (Herman et al., 2012)

NM_001267550.2(TTN):c.33721_33723del (p.Glu11241del)

Gene: TTN (titin; minus strand). Cytogenetic location: 2q31.2.
Variant type: Deletion.
Coding change: c.33721_33723del on transcript NM_001267550.2 (MANE Select); coding-DNA positions 33721 to 33723, 3 bases deleted (GAG; older notation c.33721_33723delGAG).
Protein change: p.Glu11241del; deletes glutamic acid 11241.
Molecular consequence: inframe deletion. On other transcripts: intron variant (3).
Genome position (GRCh38, 1-based): chr2:178,679,358-178,679,360, CTC deleted on the plus strand (GAG on the coding strand, the reverse complement: TTN is on the minus strand); deleting any 3 consecutive bases within chr2:178,679,358-178,679,362 gives the same sequence; the c. name uses the placement nearest the transcript's 3' end. VCF-style (leftmost placement, unchanged base first): chr2-178679357-TCTC-T. GRCh37 (hg19) VCF-style: chr2-179544084-TCTC-T.
Other names: c.32770_32772del, p.Glu10924del (NM_001256850.1); c.29989_29991del, p.Glu9997del (NM_133378.4); c.13283-37043_13283-37041del (NM_003319.4); c.13859-37043_13859-37041del (NM_133437.4); c.13658-37043_13658-37041del (NM_133432.3); short protein forms E10924del, E11241del, E9997del.
Identifiers: ClinVar variation 1311257 (VCV001311257.2), dbSNP rs2154269654, ClinGen allele CA2573051798.